The following is an entry in ClinVar:

ClinVar aggregate classification (germline): Uncertain significance (1 of 4 stars; one submission).

Conditions:
Nemaline myopathy 2 (NEM2). Also called: Nemaline myopathy 2, autosomal recessive. Identifiers: MedGen C1850569, MONDO:0009725, OMIM 256030.

Submission:

Labcorp Genetics (formerly Invitae), Labcorp
Classification: Uncertain significance for Nemaline myopathy 2. Last evaluated: 2021-11-20. Review status: criteria provided, single submitter. Criteria: Invitae Variant Classification Sherloc (09022015). Collection method: clinical testing. Allele origin: germline.
Comment: This sequence change replaces alanine, which is neutral and non-polar, with valine, which is neutral and non-polar, at codon 7491 of the NEB protein (p.Ala7491Val). This variant is not present in population databases (gnomAD no frequency). This variant has not been reported in the literature in individuals affected with NEB-related conditions. Algorithms developed to predict the effect of missense changes on protein structure and function output the following: SIFT: "Tolerated"; PolyPhen-2: "Not Available"; Align-GVGD: "Class C0". The valine amino acid residue is found in multiple mammalian species, which suggests that this missense change does not adversely affect protein function. Algorithms developed to predict the effect of sequence changes on RNA splicing suggest that this variant may create or strengthen a splice site. In summary, the available evidence is currently insufficient to determine the role of this variant in disease. Therefore, it has been classified as a Variant of Uncertain Significance.

NM_001164508.2(NEB):c.22367C>T (p.Ala7456Val)

Genes: NEB (nebulin; minus strand), RIF1 (replication timing regulatory factor 1; plus strand). Cytogenetic location: 2q23.3.
Variant type: single nucleotide variant.
Coding change: c.22367C>T on transcript NM_001164508.2 (MANE Select); coding-DNA position 22367, C replaced by T.
Protein change: p.Ala7456Val; replaces alanine 7456 with valine.
Molecular consequence: missense variant.
Genome position (GRCh38, 1-based): chr2:151,524,522, G>A on the plus strand (C>T on the coding strand, the complement: NEB is on the minus strand). VCF-style: chr2-151524522-G-A. GRCh37 (hg19) VCF-style: chr2-152381036-G-A.
Other names: c.22367C>T, p.Ala7456Val (NM_001164507.2); c.22472C>T, p.Ala7491Val (NM_001271208.2); c.17264C>T, p.Ala5755Val (NM_004543.5); short protein forms A5755V, A7456V, A7491V.
Identifiers: ClinVar variation 1415987 (VCV001415987.1), dbSNP rs2153439115, ClinGen allele CA348764936.